The following is an entry in ClinVar:

ClinVar aggregate classification (germline): Pathogenic. Review status: criteria provided, single submitter (1 of 4 stars). 2 submissions from 2 submitters: Pathogenic (1). 1 of the submissions does not count toward it. Last evaluated 2023-12-25.

Conditions:
Cleidocranial dysostosis (CLCD1). Also called: Cleidocranial Dysplasia Spectrum Disorder; Marie-Sainton disease; cleidocranial dysplasia 1. Identifiers: Orphanet 1452, MedGen C0008928, MONDO:0007340, OMIM 119600.

Submissions (2):

Labcorp Genetics (formerly Invitae), Labcorp
Classification: Pathogenic. Last evaluated: 2023-12-25. Review status: criteria provided, single submitter. Criteria: Invitae Variant Classification Sherloc (09022015). Collection method: clinical testing. Allele origin: germline.
Comment: This sequence change creates a premature translational stop signal (p.Gly462Glufs*22) in the RUNX2 gene. While this is not anticipated to result in nonsense mediated decay, it is expected to disrupt the last 60 amino acid(s) of the RUNX2 protein. This variant is not present in population databases (gnomAD no frequency). This variant has not been reported in the literature in individuals affected with RUNX2-related conditions. This variant disrupts a region of the RUNX2 protein in which other variant(s) (p.Asp463Argfs*27) have been determined to be pathogenic (PMID: 10521292, 20648631). This suggests that this is a clinically significant region of the protein, and that variants that disrupt it are likely to be disease-causing. For these reasons, this variant has been classified as Pathogenic.

Molecular Genetics Laboratory, BC Children's and BC Women's Hospitals
Classification: Uncertain significance for Cleidocranial dysostosis. Last evaluated: 2025-11-13. Review status: no assertion criteria provided. Criteria: ACMG Guidelines, 2015. Collection method: clinical testing. Allele origin: de novo. Affected: yes. Not counted in ClinVar's aggregate classification.

Literature cited by the submitters: PubMed 10521292 (cited by Labcorp Genetics (formerly Invitae), Labcorp); PubMed 20648631 (cited by Labcorp Genetics (formerly Invitae), Labcorp).

NM_001024630.4(RUNX2):c.1385del (p.Gly462fs)

Gene: RUNX2 (RUNX family transcription factor 2; plus strand). Cytogenetic location: 6p21.1.
Variant type: Deletion.
Coding change: c.1385del on transcript NM_001024630.4 (MANE Select); coding-DNA position 1385, one base deleted (G; older notation c.1385delG).
Protein change: p.Gly462fs; shifts the reading frame from glycine 462.
Molecular consequence: frameshift variant.
Genome position (GRCh38, 1-based): chr6:45,547,124, G deleted; the last of 6 consecutive G bases (chr6:45,547,119-45,547,124); deleting any one gives the same sequence. VCF-style (leftmost placement, unchanged base first): chr6-45547118-CG-C. GRCh37 (hg19) VCF-style: chr6-45514855-CG-C.
Other names: c.1319del, p.Gly440fs (NM_001015051.4); c.1277del, p.Gly426fs (NM_001278478.2); c.1343del, p.Gly448fs (NM_001369405.1); c.1343delG, p.Gly448Glufs (NM_004348.3); short protein forms G440fs, G448fs, G462fs, G426fs.
Identifiers: ClinVar variation 2796418 (VCV002796418.4), dbSNP rs1561822364, ClinGen allele CA450348135.